The following is an entry in ClinVar:

ClinVar aggregate classification (germline): Uncertain significance. Review status: criteria provided, multiple submitters, no conflicts (2 of 4 stars). 2 submissions from 2 submitters: Uncertain significance (2). Last evaluated 2025-05-09.

Conditions:
Inborn genetic diseases. Identifiers: MedGen C0950123, MeSH D030342.
Frontotemporal dementia and/or amyotrophic lateral sclerosis 4. Also called: FTDALS4. Identifiers: Orphanet 275872, MedGen C4225325, MONDO:0014641, OMIM 616439.

Allele frequency attached by ClinVar (database versions not stated): gnomAD 0.00001; TOPMed 0.00003; gnomAD exomes 0.00003.
gnomAD v4.1: 47 of 1,595,324 alleles (0.0029%); highest among the groups gnomAD compares: Non-Finnish European, 0.0039%; no homozygotes.

Submissions (2):

Labcorp Genetics (formerly Invitae), Labcorp
Classification: Uncertain significance for Frontotemporal dementia and/or amyotrophic lateral sclerosis 4. Last evaluated: 2025-05-09. Review status: criteria provided, single submitter. Criteria: Invitae Variant Classification Sherloc (09022015). Collection method: clinical testing. Allele origin: germline.
Comment: This sequence change replaces glutamic acid, which is acidic and polar, with lysine, which is basic and polar, at codon 642 of the TBK1 protein (p.Glu642Lys). The frequency data for this variant in the population databases is considered unreliable, as metrics indicate poor data quality at this position in the gnomAD database. This variant has not been reported in the literature in individuals affected with TBK1-related conditions. ClinVar contains an entry for this variant (Variation ID: 2372792). Invitae Evidence Modeling of protein sequence and biophysical properties (such as structural, functional, and spatial information, amino acid conservation, physicochemical variation, residue mobility, and thermodynamic stability) indicates that this missense variant is not expected to disrupt TBK1 protein function with a negative predictive value of 95%. In summary, the available evidence is currently insufficient to determine the role of this variant in disease. Therefore, it has been classified as a Variant of Uncertain Significance.

Ambry Genetics
Classification: Uncertain significance for Inborn genetic diseases. Last evaluated: 2021-12-20. Review status: criteria provided, single submitter. Criteria: Ambry Variant Classification Scheme 2023. Collection method: clinical testing. Allele origin: germline.

NM_013254.4(TBK1):c.1924G>A (p.Glu642Lys)

Gene: TBK1 (TANK binding kinase 1; plus strand). Cytogenetic location: 12q14.2.
Variant type: single nucleotide variant.
Coding change: c.1924G>A on transcript NM_013254.4 (MANE Select); coding-DNA position 1924, G replaced by A.
Protein change: p.Glu642Lys; replaces glutamic acid 642 with lysine.
Molecular consequence: missense variant.
Genome position (GRCh38, 1-based): chr12:64,497,224, G>A. VCF-style: chr12-64497224-G-A. GRCh37 (hg19) VCF-style: chr12-64891004-G-A.
Other names: short protein forms E642K.
Identifiers: ClinVar variation 2372792 (VCV002372792.4), dbSNP rs200798282, ClinGen allele CA238276501.
Genomic context (GRCh38, chr12:64,497,224, plus strand): 5'-AAGATGCTTCATCTTAGGAAACAGTTATTATCGCTGACTAATCAGTGTTTTGATATTGAA[G>A]AAGAAGTATCAAAATATCAAGAATATACTAATGAGGTAGGTACAGCTGTCAAGGAAAAAT-3'
Protein context (NP_037386.1, residues 632-652): SLTNQCFDIE[Glu642Lys]EVSKYQEYTN